The following is an entry in ClinVar:

ClinVar aggregate classification (germline): Conflicting classifications of pathogenicity. Review status: criteria provided, conflicting classifications (1 of 4 stars). 3 submissions from 3 submitters: Uncertain significance (2); Likely benign (1). Last evaluated 2025-04-20.

Conditions:
Townes syndrome (TBS). Also called: Townes-Brocks syndrome. Identifiers: Orphanet 857, MedGen C0265246, MeSH C536974, MONDO:0007142.
Townes-Brocks syndrome 1 (TBS1). Also called: DEAFNESS, SENSORINEURAL, WITH IMPERFORATE ANUS AND THUMB ANOMALIES; REAR SYNDROME; RENAL-EAR-ANAL-RADIAL SYNDROME; SALL1-Related Townes-Brocks Syndrome. Identifiers: Orphanet 857, MedGen C4551481, MONDO:0054581, OMIM 107480.

Allele frequency attached by ClinVar (database versions not stated): gnomAD 0.00001; ExAC 0.00002; gnomAD exomes 0.00002; TOPMed 0.00004; ESP Exome Variant Server 0.00008.

Submissions (3):

Labcorp Genetics (formerly Invitae), Labcorp
Classification: Uncertain significance for Townes syndrome. Last evaluated: 2025-04-20. Review status: criteria provided, single submitter. Criteria: Invitae Variant Classification Sherloc (09022015). Collection method: clinical testing. Allele origin: germline.
Comment: This sequence change replaces valine, which is neutral and non-polar, with isoleucine, which is neutral and non-polar, at codon 44 of the SALL1 protein (p.Val44Ile). This variant is present in population databases (rs373744120, gnomAD 0.009%). This variant has not been reported in the literature in individuals affected with SALL1-related conditions. ClinVar contains an entry for this variant (Variation ID: 224342). Invitae Evidence Modeling of protein sequence and biophysical properties (such as structural, functional, and spatial information, amino acid conservation, physicochemical variation, residue mobility, and thermodynamic stability) indicates that this missense variant is not expected to disrupt SALL1 protein function with a negative predictive value of 80%. In summary, the available evidence is currently insufficient to determine the role of this variant in disease. Therefore, it has been classified as a Variant of Uncertain Significance.

GeneDx
Classification: Likely benign. Last evaluated: 2019-12-19. Review status: criteria provided, single submitter. Criteria: GeneDx Variant Classification Process June 2021. Collection method: clinical testing. Allele origin: germline. Affected: yes.
Comment: In silico analysis, which includes protein predictors and evolutionary conservation, supports that this variant does not alter protein structure/function; This variant is associated with the following publications: (PMID: 27657687)

Lupski Lab, Baylor-Hopkins CMG, Baylor College of Medicine
Classification: Uncertain significance for Townes-Brocks syndrome 1. Review status: criteria provided, single submitter. Criteria: Bekheirnia et al. (Genet Med. 2016). Collection method: research. Allele origin: unknown. Inheritance: Autosomal dominant inheritance. Affected: yes. Observed: 1 heterozygote.

NM_002968.3(SALL1):c.130G>A (p.Val44Ile)

Gene: SALL1 (spalt like transcription factor 1; minus strand). Cytogenetic location: 16q12.1.
Variant type: single nucleotide variant.
Coding change: c.130G>A on transcript NM_002968.3 (MANE Select); coding-DNA position 130, G replaced by A.
Protein change: p.Val44Ile; replaces valine 44 with isoleucine.
Molecular consequence: missense variant. On other transcripts: 5 prime UTR variant (1).
Genome position (GRCh38, 1-based): chr16:51,142,092, C>T on the plus strand (G>A on the coding strand, the complement: SALL1 is on the minus strand). VCF-style: chr16-51142092-C-T. GRCh37 (hg19) VCF-style: chr16-51176003-C-T.
Other names: c.-162G>A (NM_001127892.2); short protein forms V44I.
Identifiers: ClinVar variation 224342 (VCV000224342.4), dbSNP rs373744120, ClinGen allele CA8053548.